The following is an entry in ClinVar:

NM_024675.4(PALB2):c.155T>C (p.Val52Ala)

Gene: PALB2 (partner and localizer of BRCA2; minus strand). Cytogenetic location: 16p12.2.
Variant type: single nucleotide variant.
Coding change: c.155T>C on transcript NM_024675.4 (MANE Select); coding-DNA position 155, T replaced by C.
Protein change: p.Val52Ala; replaces valine 52 with alanine.
Molecular consequence: missense variant.
Genome position (GRCh38, 1-based): chr16:23,637,906, A>G on the plus strand (T>C on the coding strand, the complement: PALB2 is on the minus strand). VCF-style: chr16-23637906-A-G. GRCh37 (hg19) VCF-style: chr16-23649227-A-G.
Other names: short protein forms V52A.
Identifiers: ClinVar variation 246458 (VCV000246458.30), dbSNP rs373970237, ClinGen allele CA7963833.

ClinVar aggregate classification (germline): Conflicting classifications of pathogenicity. Review status: criteria provided, conflicting classifications (1 of 4 stars). 8 submissions from 8 submitters: Uncertain significance (4); Likely benign (2). 2 of the submissions do not count toward it. Last evaluated 2026-01-13.

Conditions:
Hereditary cancer-predisposing syndrome. Also called: Hereditary neoplastic syndrome; Neoplastic Syndromes, Hereditary; Tumor predisposition; Hereditary Cancer Syndrome. Identifiers: Orphanet 140162, MedGen C0027672, MeSH D009386, MONDO:0015356.
Breast neoplasm. Also called: Breast Neoplasms; Neoplasm of breast; Breast tumor; Neoplasm of the breast. Identifiers: MedGen C1458155, MeSH D001943, MONDO:0021100, HP:0100013. Disease mechanism: gain of function.
Familial cancer of breast. Also called: BREAST CANCER, FAMILIAL; Hereditary breast cancer; hereditary breast carcinoma. Identifiers: Orphanet 227535, MedGen C0346153, MONDO:0016419, OMIM 114480. Disease mechanism: loss of function.

Allele frequency attached by ClinVar (database versions not stated): ExAC 0.00001; gnomAD exomes 0.00001; TOPMed 0.00001; ESP Exome Variant Server 0.00008.
gnomAD v4.1: 5 of 1,614,056 alleles (0.00031%); highest among the groups gnomAD compares: Non-Finnish European, 0.00042%; no homozygotes.

Submissions (8):

Labcorp Genetics (formerly Invitae), Labcorp
Classification: Uncertain significance for Familial cancer of breast. Last evaluated: 2026-01-13. Review status: criteria provided, single submitter. Criteria: Invitae Variant Classification Sherloc (09022015). Collection method: clinical testing. Allele origin: germline.
Comment: This sequence change replaces valine, which is neutral and non-polar, with alanine, which is neutral and non-polar, at codon 52 of the PALB2 protein (p.Val52Ala). This variant is present in population databases (rs373970237, gnomAD 0.0009%). This variant has not been reported in the literature in individuals affected with PALB2-related conditions. ClinVar contains an entry for this variant (Variation ID: 246458). An algorithm developed to predict the effect of missense changes on protein structure and function outputs the following: PolyPhen-2: "Benign". The alanine amino acid residue is found in multiple mammalian species, which suggests that this missense change does not adversely affect protein function. In summary, the available evidence is currently insufficient to determine the role of this variant in disease. Therefore, it has been classified as a Variant of Uncertain Significance.

Color Diagnostics, LLC DBA Color Health
Classification: Uncertain significance for Hereditary cancer-predisposing syndrome. Last evaluated: 2025-02-03. Review status: criteria provided, single submitter. Criteria: ACMG Guidelines, 2015. Collection method: clinical testing. Allele origin: germline.
Comment: This missense variant replaces valine with alanine at codon 52 of the PALB2 protein. Computational prediction suggests that this variant may not impact protein structure and function. To our knowledge, functional studies have not been performed for this variant. This variant has been detected in a breast cancer case-control meta-analysis in 0/60466 cases and 1/53461 unaffected individuals (PMID: 33471991; Leiden Open Variation Database DB-ID PALB2_010256) and in at least one individual unaffected with ovarian cancer (PMID: 24448499). This variant has been identified in 1/246252 chromosomes in the general population by the Genome Aggregation Database (gnomAD). The available evidence is insufficient to determine the role of this variant in disease conclusively. Therefore, this variant is classified as a Variant of Uncertain Significance.

Myriad Genetics, Inc.
Classification: Likely benign for Familial cancer of breast. Last evaluated: 2025-01-09. Review status: criteria provided, single submitter. Criteria: Myriad Autosomal Dominant, Autosomal Recessive and X-Linked Classification Criteria (2023). Collection method: clinical testing. Allele origin: unknown.
Comment: This variant is considered likely benign. This variant is strongly associated with less severe personal and family histories of cancer, typical for individuals without pathogenic variants in this gene [PMID: 25085752].

Ambry Genetics
Classification: Likely benign for Hereditary cancer-predisposing syndrome. Last evaluated: 2024-10-07. Review status: criteria provided, single submitter. Criteria: Ambry Variant Classification Scheme 2023. Collection method: clinical testing. Allele origin: germline.

GeneDx
Classification: Uncertain significance. Last evaluated: 2023-09-26. Review status: criteria provided, single submitter. Criteria: GeneDx Variant Classification Process June 2021. Collection method: clinical testing. Allele origin: germline. Affected: yes.
Comment: Not observed at significant frequency in large population cohorts (gnomAD); In silico analysis supports that this missense variant does not alter protein structure/function; Not observed in any cases, but was observed in an unaffected control from an ovarian cancer study (Kanchi et al., 2014); This variant is associated with the following publications: (PMID: 24448499, 20871615, 19369211)

MGZ Medical Genetics Center
Classification: Uncertain significance for Familial cancer of breast. Last evaluated: 2022-03-11. Review status: criteria provided, single submitter. Criteria: ACMG Guidelines, 2015. Collection method: clinical testing. Allele origin: germline. Affected: yes. Observed: 1 variant allele.
Comment: ACMG criteria applied: PM2_SUP, BP4

Leiden Open Variation Database
Classification: Uncertain significance for Familial cancer of breast. Last evaluated: 2019-05-13. Review status: no assertion criteria provided. Collection method: curation. Allele origin: germline. Affected: yes. Not counted in ClinVar's aggregate classification.
Comment: Curators: Marc Tischkowitz, Arleen D. Auerbach. Submitter to LOVD: Marc Tischkowitz.

CSER _CC_NCGL, University of Washington
Classification: Uncertain significance for Breast cancer. Last evaluated: 2016-08-01. Review status: no assertion criteria provided. Collection method: research. Allele origin: germline. Inheritance: Autosomal dominant inheritance. Study: CSER - NEXT Medicine variant annotation. Not counted in ClinVar's aggregate classification.

Literature cited by the submitters: PubMed 24448499 (cited by Color Diagnostics, LLC DBA Color Health and Leiden Open Variation Database); PubMed 33471991 (cited by Color Diagnostics, LLC DBA Color Health); PubMed 25085752 (cited by Myriad Genetics, Inc.).